The following is an entry in ClinVar:

NM_002294.3(LAMP2):c.561C>G (p.Phe187Leu)

Gene: LAMP2 (lysosome associated membrane protein 2; minus strand). Cytogenetic location: Xq24.
Variant type: single nucleotide variant.
Coding change: c.561C>G on transcript NM_002294.3 (MANE Select); coding-DNA position 561, C replaced by G.
Protein change: p.Phe187Leu; replaces phenylalanine 187 with leucine.
Molecular consequence: missense variant.
Genome position (GRCh38, 1-based): chrX:120,448,021, G>C on the plus strand (C>G on the coding strand, the complement: LAMP2 is on the minus strand). VCF-style: chrX-120448021-G-C. GRCh37 (hg19) VCF-style: chrX-119581876-G-C.
Other names: c.561C>G, p.Phe187Leu (NM_001122606.1, NM_013995.2); short protein forms F187L.
Identifiers: ClinVar variation 3625221 (VCV003625221.3).
Genomic context (GRCh38, chrX:120,448,021, plus strand): 5'-AGATGGCACAGTGGTGTGTATGGTGGGTGCCACTGTTGAAGTTTTGTCTTTATCACACAG[G>C]AACTCTAAAACAAGCGAAAAGGGACAAAAGAAACCAAAGCGGACATTTTCTTAATTCATA-3'
Protein context (NP_002285.1, residues 177-197): VQNGTVSTNE[Phe187Leu]LCDKDKTSTV

ClinVar aggregate classification (germline): Uncertain significance. Review status: criteria provided, multiple submitters, no conflicts (2 of 4 stars). 2 submissions from 2 submitters: Uncertain significance (2). Last evaluated 2026-09-02.

Conditions:
Danon disease. Also called: ANTOPOL DISEASE; PSEUDOGLYCOGENOSIS II; GSD IIb; LYSOSOMAL GLYCOGEN STORAGE DISEASE WITHOUT ACID MALTASE DEFICIENCY; Glycogen Storage Disease Type IIb. Identifiers: Orphanet 34587, MedGen C0878677, MONDO:0010281, OMIM 300257.
Cardiovascular phenotype. Identifiers: MedGen CN230736.

gnomAD v4.1: 1 of 1,209,674 alleles (0.000083%); highest among the groups gnomAD compares: Non-Finnish European, 0.00011%; no homozygotes.

Submissions (2):

Ambry Genetics
Classification: Uncertain significance for Cardiovascular phenotype. Last evaluated: 2026-09-02. Review status: criteria provided, single submitter. Criteria: Ambry Variant Classification Scheme 2023. Collection method: clinical testing. Allele origin: germline.

Labcorp Genetics (formerly Invitae), Labcorp
Classification: Uncertain significance for Danon disease. Last evaluated: 2024-11-06. Review status: criteria provided, single submitter. Criteria: Invitae Variant Classification Sherloc (09022015). Collection method: clinical testing. Allele origin: germline.
Comment: This sequence change replaces phenylalanine, which is neutral and non-polar, with leucine, which is neutral and non-polar, at codon 187 of the LAMP2 protein (p.Phe187Leu). This variant is not present in population databases (gnomAD no frequency). This variant has not been reported in the literature in individuals affected with LAMP2-related conditions. Invitae Evidence Modeling of protein sequence and biophysical properties (such as structural, functional, and spatial information, amino acid conservation, physicochemical variation, residue mobility, and thermodynamic stability) indicates that this missense variant is expected to disrupt LAMP2 protein function with a positive predictive value of 80%. In summary, the available evidence is currently insufficient to determine the role of this variant in disease. Therefore, it has been classified as a Variant of Uncertain Significance.